The following is an entry in ClinVar:

ClinVar aggregate classification (germline): Uncertain significance (1 of 4 stars; one submission).

Conditions:
Aicardi-Goutieres syndrome 2. Identifiers: Orphanet 51, MedGen C3489724, MONDO:0012429, OMIM 610181.

Submission:

Labcorp Genetics (formerly Invitae), Labcorp
Classification: Uncertain significance for Aicardi-Goutieres syndrome 2. Last evaluated: 2025-06-23. Review status: criteria provided, single submitter. Criteria: Invitae Variant Classification Sherloc (09022015). Collection method: clinical testing. Allele origin: germline.
Comment: This sequence change replaces alanine, which is neutral and non-polar, with serine, which is neutral and polar, at codon 239 of the RNASEH2B protein (p.Ala239Ser). This variant is not present in population databases (gnomAD no frequency). This variant has not been reported in the literature in individuals affected with RNASEH2B-related conditions. ClinVar contains an entry for this variant (Variation ID: 1714135). An algorithm developed to predict the effect of missense changes on protein structure and function outputs the following: PolyPhen-2: "Benign". The serine amino acid residue is found in multiple mammalian species, which suggests that this missense change does not adversely affect protein function. In summary, the available evidence is currently insufficient to determine the role of this variant in disease. Therefore, it has been classified as a Variant of Uncertain Significance.

NM_024570.4(RNASEH2B):c.715G>T (p.Ala239Ser)

Gene: RNASEH2B (ribonuclease H2 subunit B; plus strand). Cytogenetic location: 13q14.3.
Variant type: single nucleotide variant.
Coding change: c.715G>T on transcript NM_024570.4 (MANE Select); coding-DNA position 715, G replaced by T.
Protein change: p.Ala239Ser; replaces alanine 239 with serine.
Molecular consequence: missense variant.
Genome position (GRCh38, 1-based): chr13:50,949,479, G>T. VCF-style: chr13-50949479-G-T. GRCh37 (hg19) VCF-style: chr13-51523615-G-T.
Other names: c.715G>T, p.Ala239Ser (NM_001142279.2, NM_001411023.1); short protein forms A239S.
Identifiers: ClinVar variation 1714135 (VCV001714135.5), dbSNP rs2541535046, ClinGen allele CA388259994.